The following is an entry in ClinVar:

ClinVar aggregate classification (germline): Uncertain significance (1 of 4 stars; one submission).

Submission:

Athena Diagnostics
Classification: Uncertain significance. Last evaluated: 2024-06-04. Review status: criteria provided, single submitter. Criteria: Athena Diagnostics Criteria. Collection method: clinical testing. Allele origin: unknown.
Comment: Available data are insufficient to determine the clinical significance of the variant at this time. This variant has not been reported in large, multi-ethnic general populations. Computational tools yielded predictions that this variant may result in the gain of a cryptic splice site without affecting the natural splice sites.

NM_005529.7(HSPG2):c.3840_3857del (p.Gly1281_Gln1286del)

Gene: HSPG2 (heparan sulfate proteoglycan 2; minus strand). Cytogenetic location: 1p36.12.
Variant type: Deletion.
Coding change: c.3840_3857del on transcript NM_005529.7 (MANE Select); coding-DNA positions 3840 to 3857, 18 bases deleted (AGGCAGCGTCAGCAGCCA).
Protein change: p.Gly1281_Gln1286del.
Genome position (GRCh38, 1-based): chr1:21,873,028-21,873,045, TGGCTGCTGACGCTGCCT deleted on the plus strand (AGGCAGCGTCAGCAGCCA on the coding strand, the reverse complement: HSPG2 is on the minus strand); deleting any 18 consecutive bases within chr1:21,873,028-21,873,048 gives the same sequence; the c. name uses the placement nearest the transcript's 3' end. VCF-style (leftmost placement, unchanged base first): chr1-21873027-CTGGCTGCTGACGCTGCCT-C. GRCh37 (hg19) VCF-style: chr1-22199520-CTGGCTGCTGACGCTGCCT-C.
Other names: c.3843_3860del, p.Gly1282_Gln1287del (NM_001291860.2).
Identifiers: ClinVar variation 3571749 (VCV003571749.1).